The following is an entry in ClinVar:

ClinVar aggregate classification (germline): Uncertain significance. Review status: criteria provided, multiple submitters, no conflicts (2 of 4 stars). 6 submissions from 6 submitters: Uncertain significance (4). 2 of the submissions do not count toward it. Last evaluated 2025-10-07.

Conditions:
ATM-related disorder. Also called: ATM-related disorders; ATM-related condition.
Hereditary cancer-predisposing syndrome. Also called: Neoplastic Syndromes, Hereditary; Hereditary Cancer Syndrome; Tumor predisposition; Hereditary neoplastic syndrome. Identifiers: Orphanet 140162, MedGen C0027672, MeSH D009386, MONDO:0015356.
Ataxia-telangiectasia syndrome (AT). Also called: LOUIS-BAR SYNDROME; Cerebello-oculocutaneous telangiectasia; Immunodeficiency with ataxia telangiectasia; Ataxia-telangiectasia, complementation group D; AT, COMPLEMENTATION GROUP C; Ataxia-telangiectasia, complementation group E. Identifiers: Orphanet 100, MedGen C0004135, MONDO:0008840, OMIM 208900.

Allele frequency attached by ClinVar (database versions not stated): gnomAD exomes below 0.00001.
gnomAD v4.1: 3 of 1,614,188 alleles (0.00019%); highest among the groups gnomAD compares: East Asian, 0.0022%; no homozygotes.

Submissions (6):

Labcorp Genetics (formerly Invitae), Labcorp
Classification: Uncertain significance for Ataxia-telangiectasia syndrome. Last evaluated: 2025-10-07. Review status: criteria provided, single submitter. Criteria: Invitae Variant Classification Sherloc (09022015). Collection method: clinical testing. Allele origin: germline.
Comment: This sequence change replaces arginine, which is basic and polar, with histidine, which is basic and polar, at codon 2459 of the ATM protein (p.Arg2459His). This variant is present in population databases (no rsID available, gnomAD 0.0009%). This variant has not been reported in the literature in individuals affected with ATM-related conditions. ClinVar contains an entry for this variant (Variation ID: 423706). Invitae Evidence Modeling of protein sequence and biophysical properties (such as structural, functional, and spatial information, amino acid conservation, physicochemical variation, residue mobility, and thermodynamic stability) has been performed for this missense variant. However, the output from this modeling did not meet the statistical confidence thresholds required to predict the impact of this variant on ATM protein function. In summary, the available evidence is currently insufficient to determine the role of this variant in disease. Therefore, it has been classified as a Variant of Uncertain Significance.

Ambry Genetics
Classification: Uncertain significance for Hereditary cancer-predisposing syndrome. Last evaluated: 2025-05-15. Review status: criteria provided, single submitter. Criteria: Ambry Variant Classification Scheme 2023. Collection method: clinical testing. Allele origin: germline.
Comment: The p.R2459H variant (also known as c.7376G>A), located in coding exon 49 of the ATM gene, results from a G to A substitution at nucleotide position 7376. The arginine at codon 2459 is replaced by histidine, an amino acid with highly similar properties. This amino acid position is highly conserved in available vertebrate species. In addition, this alteration is predicted to be deleterious by in silico analysis. Since supporting evidence is limited at this time, the clinical significance of this alteration remains unclear.

Color Diagnostics, LLC DBA Color Health
Classification: Uncertain significance for Hereditary cancer-predisposing syndrome. Last evaluated: 2021-03-08. Review status: criteria provided, single submitter. Criteria: ACMG Guidelines, 2015. Collection method: clinical testing. Allele origin: germline.
Comment: This missense variant replaces arginine with histidine at codon 2459 of the ATM protein. Computational prediction suggests that this variant may have deleterious impact on protein structure and function (internally defined REVEL score threshold >= 0.7, PMID: 27666373). To our knowledge, functional studies have not been reported for this variant. This variant has not been reported in individuals affected with hereditary cancer in the literature. This variant has been identified in 1/251232 chromosomes in the general population by the Genome Aggregation Database (gnomAD). The available evidence is insufficient to determine the role of this variant in disease conclusively. Therefore, this variant is classified as a Variant of Uncertain Significance.

GeneDx
Classification: Uncertain significance. Last evaluated: 2017-02-17. Review status: criteria provided, single submitter. Criteria: GeneDx Variant Classification (06012015). Collection method: clinical testing. Allele origin: germline. Affected: yes.
Comment: This variant is denoted ATM c.7376G>A at the cDNA level, p.Arg2459His (R2459H) at the protein level, and results in the change of an Arginine to a Histidine (CGT>CAT). This variant has not, to our knowledge, been published in the literature as pathogenic or benign. ATM Arg2459His was not observed in approximately 6,500 individuals of European and African American ancestry in the NHLBI Exome Sequencing Project, suggesting it is not a common benign variant in these populations. Since Arginine and Histidine share similar properties, this is considered a conservative amino acid substitution. ATM Arg2459His occurs at a position that is conserved across species and is located in the within FAT domain (Stracker 2013). In silico analyses predict that this variant is probably damaging to protein structure and function. Based on currently available evidence, it is unclear whether ATM Arg2459His is a pathogenic or benign variant. We consider it to be a variant of uncertain significance.

Natera, Inc.
Classification: Uncertain significance for Ataxia-telangiectasia. Last evaluated: 2025-04-14. Review status: no assertion criteria provided. Collection method: clinical testing. Allele origin: germline. Not counted in ClinVar's aggregate classification.

PreventionGenetics, part of Exact Sciences
Classification: Uncertain significance for ATM-related condition. Last evaluated: 2024-01-03. Review status: no assertion criteria provided. Collection method: clinical testing. Allele origin: germline. Not counted in ClinVar's aggregate classification.
Comment: The ATM c.7376G>A variant is predicted to result in the amino acid substitution p.Arg2459His. To our knowledge, this variant has not been reported in the literature. This variant is reported in 0.00088% of alleles in individuals of European (Non-Finnish) descent in gnomAD and is interpreted as uncertain in ClinVar. At this time, the clinical significance of this variant is uncertain due to the absence of conclusive functional and genetic evidence.

NM_000051.4(ATM):c.7376G>A (p.Arg2459His)

Genes: ATM (ATM serine/threonine kinase; plus strand), C11orf65 (chromosome 11 open reading frame 65; minus strand). Cytogenetic location: 11q22.3.
Variant type: single nucleotide variant.
Coding change: c.7376G>A on transcript NM_000051.4 (MANE Select); coding-DNA position 7376, G replaced by A.
Protein change: p.Arg2459His; replaces arginine 2459 with histidine.
Molecular consequence: missense variant. On other transcripts: intron variant (2).
Genome position (GRCh38, 1-based): chr11:108,330,282, G>A. VCF-style: chr11-108330282-G-A. GRCh37 (hg19) VCF-style: chr11-108201009-G-A.
Other names: c.7376G>A, p.Arg2459His (NM_001351834.2); c.641-21211C>T (NM_001330368.2); c.*38+4938C>T (NM_001351110.2); short protein forms R2459H.
Identifiers: ClinVar variation 423706 (VCV000423706.23), dbSNP rs1064796589, ClinGen allele CA16619231.